The following is an entry in ClinVar:

NM_019040.5(ELP4):c.93G>T (p.Arg31Ser)

Gene: ELP4 (elongator acetyltransferase complex subunit 4; plus strand). Cytogenetic location: 11p13.
Variant type: single nucleotide variant.
Coding change: c.93G>T on transcript NM_019040.5 (MANE Select); coding-DNA position 93, G replaced by T.
Protein change: p.Arg31Ser; replaces arginine 31 with serine.
Molecular consequence: missense variant.
Genome position (GRCh38, 1-based): chr11:31,509,877, G>T. VCF-style: chr11-31509877-G-T. GRCh37 (hg19) VCF-style: chr11-31531424-G-T.
Other names: c.93G>T (NM_019040.3); c.93G>T, p.Arg31Ser (NM_001288725.2, NM_001288726.2); short protein forms R31S.
Identifiers: ClinVar variation 2696817 (VCV002696817.4), dbSNP rs373816333, ClinGen allele CA5933151.

ClinVar aggregate classification (germline): Uncertain significance. Review status: criteria provided, multiple submitters, no conflicts (2 of 4 stars). 2 submissions from 2 submitters: Uncertain significance (2). Last evaluated 2025-12-04.

gnomAD v4.1: 17 of 1,614,068 alleles (0.0011%); highest among the groups gnomAD compares: Admixed American, 0.01%; 1 homozygote.

Submissions (2):

Ambry Genetics
Classification: Uncertain significance. Last evaluated: 2025-12-04. Review status: criteria provided, single submitter. Criteria: Ambry Variant Classification Scheme 2023. Collection method: clinical testing. Allele origin: germline.

Labcorp Genetics (formerly Invitae), Labcorp
Classification: Uncertain significance. Last evaluated: 2023-05-05. Review status: criteria provided, single submitter. Criteria: Invitae Variant Classification Sherloc (09022015). Collection method: clinical testing. Allele origin: germline.
Comment: This sequence change replaces arginine, which is basic and polar, with serine, which is neutral and polar, at codon 31 of the ELP4 protein (p.Arg31Ser). This variant is present in population databases (rs373816333, gnomAD 0.009%). This variant has not been reported in the literature in individuals affected with ELP4-related conditions. An algorithm developed to predict the effect of missense changes on protein structure and function (PolyPhen-2) suggests that this variant is likely to be disruptive. In summary, the available evidence is currently insufficient to determine the role of this variant in disease. Therefore, it has been classified as a Variant of Uncertain Significance.